The following is an entry in ClinVar:

ClinVar aggregate classification (germline): Benign. Review status: criteria provided, multiple submitters, no conflicts (2 of 4 stars). 4 submissions from 4 submitters: Benign (4). Last evaluated 2026-09-21.

Conditions:
Dilated cardiomyopathy 1DD (CMD1DD). Identifiers: Orphanet 154, MedGen C2750995, MONDO:0013168, OMIM 613172.

Allele frequency attached by ClinVar (database versions not stated): gnomAD 0.54481 and 0.55676; gnomAD exomes 0.60031 and 0.64007; ESP Exome Variant Server 0.53154; TOPMed 0.55337; 1000 Genomes Project 0.63399; ExAC 0.65345; 1000 Genomes Project 30x 0.62820.
gnomAD v4.1: 861,256 of 1,445,772 alleles (60%); highest among the groups gnomAD compares: East Asian, 91%; 261,843 homozygotes.

Submissions (5):

Molecular Diagnostic Laboratory for Inherited Cardiovascular Disease, Montreal Heart Institute
Classification: Benign. Last evaluated: 2026-09-21. Review status: criteria provided, single submitter. Criteria: ACMG Guidelines, 2015. Collection method: clinical testing. Allele origin: germline. Affected: no.
Comment: BA1

Genome-Nilou Lab
Classification: Benign for Dilated cardiomyopathy 1DD. Last evaluated: 2021-11-07. Review status: criteria provided, single submitter. Criteria: ACMG Guidelines, 2015. Collection method: clinical testing. Allele origin: germline. Affected: no.

GeneDx
Classification: Benign. Last evaluated: 2018-06-14. Review status: criteria provided, single submitter. Criteria: GeneDx Variant Classification (06012015). Collection method: clinical testing. Allele origin: germline. Affected: yes.
Comment: This variant is considered likely benign or benign based on one or more of the following criteria: it is a conservative change, it occurs at a poorly conserved position in the protein, it is predicted to be benign by multiple in silico algorithms, and/or has population frequency not consistent with disease.

Breakthrough Genomics
Classification: Benign. Review status: criteria provided, single submitter. Criteria: ACMG Guidelines, 2015. Collection method: not provided. Allele origin: germline. Inheritance: Autosomal dominant inheritance. Affected: yes.

Dr. Peter K. Rogan Lab, Western University
No classification provided (evidence only). Condition: Uterine carcinosarcoma. Review status: no classification provided. Collection method: in vitro. Allele origin: not applicable. Functional consequence: retained intron. Not counted in ClinVar's aggregate classification.

NM_001134363.3(RBM20):c.1338-36A>C

Gene: RBM20 (RNA binding motif protein 20; plus strand). Cytogenetic location: 10q25.2.
Variant type: single nucleotide variant.
Coding change: c.1338-36A>C on transcript NM_001134363.3 (MANE Select); 36 bases into the intron before coding-DNA position 1338, A replaced by C.
Molecular consequence: intron variant.
Genome position (GRCh38, 1-based): chr10:110,784,305, A>C. VCF-style: chr10-110784305-A-C. GRCh37 (hg19) VCF-style: chr10-112544063-A-C.
Other names: NC_000010.10:g.112544063A>C; c.1338-36A>C (NM_001134363.2).
Identifiers: ClinVar variation 671183 (VCV000671183.6), dbSNP rs7898438, ClinGen allele CA5688584.
Genomic context (GRCh38, chr10:110,784,305, plus strand): 5'-TTGGGGGTCTGCACCTACGAGTGGAATTTCTGGGTCACATGCTAATTCTTTGTTTAACTT[A>C]TTAAGGAGCCGGTTTCCCTTTCTCGCCCTCTCCAGTGCTGGCATCCGGTGTATACTTGGT-3'